The following is an entry in ClinVar:

NM_001128148.3(TFRC):c.2027A>G (p.Asp676Gly)

Gene: TFRC (transferrin receptor; minus strand). Cytogenetic location: 3q29.
Variant type: single nucleotide variant.
Coding change: c.2027A>G on transcript NM_001128148.3 (MANE Select); coding-DNA position 2027, A replaced by G.
Protein change: p.Asp676Gly; replaces aspartic acid 676 with glycine.
Molecular consequence: missense variant.
Genome position (GRCh38, 1-based): chr3:196,053,431, T>C on the plus strand (A>G on the coding strand, the complement: TFRC is on the minus strand). VCF-style: chr3-196053431-T-C. GRCh37 (hg19) VCF-style: chr3-195780302-T-C.
Other names: c.1784A>G, p.Asp595Gly (NM_001313965.2); c.1181A>G, p.Asp394Gly (NM_001313966.2); c.2027A>G, p.Asp676Gly (NM_003234.4); short protein forms D394G, D595G, D676G.
Identifiers: ClinVar variation 1422373 (VCV001422373.8), dbSNP rs1716508268, ClinGen allele CA355560429.

ClinVar aggregate classification (germline): Uncertain significance (1 of 4 stars; one submission).

Submission:

Labcorp Genetics (formerly Invitae), Labcorp
Classification: Uncertain significance. Last evaluated: 2022-10-17. Review status: criteria provided, single submitter. Criteria: Invitae Variant Classification Sherloc (09022015). Collection method: clinical testing. Allele origin: germline.
Comment: This sequence change replaces aspartic acid, which is acidic and polar, with glycine, which is neutral and non-polar, at codon 676 of the TFRC protein (p.Asp676Gly). This variant is not present in population databases (gnomAD no frequency). This variant has not been reported in the literature in individuals affected with TFRC-related conditions. ClinVar contains an entry for this variant (Variation ID: 1422373). Advanced modeling of protein sequence and biophysical properties (such as structural, functional, and spatial information, amino acid conservation, physicochemical variation, residue mobility, and thermodynamic stability) performed at Invitae indicates that this missense variant is not expected to disrupt TFRC protein function. In summary, the available evidence is currently insufficient to determine the role of this variant in disease. Therefore, it has been classified as a Variant of Uncertain Significance.